The following is an entry in ClinVar:

NM_002480.3(PPP1R12A):c.3092A>T (p.Ter1031Leu)

Genes: PPP1R12A-AS2 (PPP1R12A antisense RNA 2; plus strand), PPP1R12A (protein phosphatase 1 regulatory subunit 12A; minus strand). Cytogenetic location: 12q21.2.
Variant type: single nucleotide variant.
Coding change: c.3092A>T on transcript NM_002480.3 (MANE Select); coding-DNA position 3092, A replaced by T.
Protein change: p.Ter1031Leu.
Molecular consequence: stop lost.
Genome position (GRCh38, 1-based): chr12:79,775,930, T>A on the plus strand (A>T on the coding strand, the complement: PPP1R12A is on the minus strand). VCF-style: chr12-79775930-T-A. GRCh37 (hg19) VCF-style: chr12-80169710-T-A.
Other names: c.3092A>T, p.Ter1031Leu (NM_001143885.2); c.2831A>T, p.Ter944Leu (NM_001143886.2); c.2987A>T, p.Ter996Leu (NM_001244990.2); c.2924A>T, p.Ter975Leu (NM_001244992.1).
Identifiers: ClinVar variation 2637226 (VCV002637226.3), dbSNP rs1565731811, ClinGen allele CA385934263.

ClinVar aggregate classification (germline): Conflicting classifications of pathogenicity. Review status: criteria provided, conflicting classifications (1 of 4 stars). 3 submissions from 3 submitters: Pathogenic (1); Uncertain significance (2). Last evaluated 2025-03-21.

Conditions:
Genitourinary and/or brain malformation syndrome (GUBS). Also called: PPP1R12A-Related Urogenital and/or Brain Malformation Syndrome. Identifiers: MedGen C5394158, MONDO:0032934, OMIM 618820.
PPP1R12A-related disorder. Also called: PPP1R12A-related condition.

Submissions (3):

Variantyx, Inc.
Classification: Pathogenic for Genitourinary and/or brain malformation syndrome. Last evaluated: 2025-03-21. Review status: criteria provided, single submitter. Criteria: Variantyx Assertion Criteria 2022. Collection method: clinical testing. Allele origin: germline.
Comment: This is a termination codon loss variant in the PPP1R12A gene (OMIM: 602021). Pathogenic variants in this gene have been associated with autosomal dominant genitourinary and/or brain malformation syndrome. The alteration results in loss of the termination codon, leading to an elongated protein (PM4). This variant has been identified in affected individual(s) (internal data) (PS4_Moderate). While this variant likely occurred de novo in an individual from the published literature, the possibility of parental germline mosaicism cannot be excluded (PMID:40770999) (PS2). This variant is absent from control populations (PM2_Supporting). The clinical symptoms reported for the proband are highly specific for autosomal dominant genitourinary and/or brain malformation syndrome, which has a limited genetic etiology (PMID: 34499436) (PP4). Based on the current evidence, this variant is classified as pathogenic for autosomal dominant genitourinary and/or brain malformation syndrome.

ARUP Laboratories, Molecular Genetics and Genomics, ARUP Laboratories
Classification: Uncertain significance for Genitourinary and/or brain malformation syndrome. Last evaluated: 2024-03-31. Review status: criteria provided, single submitter. Criteria: ARUP Molecular Germline Variant Investigation Process 2024. Collection method: clinical testing. Allele origin: germline.

PreventionGenetics, part of Exact Sciences
Classification: Uncertain significance for PPP1R12A-related condition. Last evaluated: 2022-10-01. Review status: criteria provided, single submitter. Criteria: ACMG Guidelines, 2015. Collection method: clinical testing. Allele origin: germline.
Comment: The PPP1R12A c.3092A>T variant is predicted to result in extension of the open reading frame (p.*1031Leuext*71). This variant results in the loss of the stop codon and a C-terminal extension of ~71 amino acids. To our knowledge, this variant has not been reported in the literature or in a large population database, indicating this variant is rare. A majority of pathogenic variants result in premature truncation of the PPP1R12A protein and to our knowledge C-terminal extensions have not been reported in literature. Although we suspect that this variant may be pathogenic, at this time, the clinical significance of this variant is uncertain due to the absence of conclusive functional and genetic evidence.